The following is an entry in ClinVar:

ClinVar aggregate classification (germline): Uncertain significance. Review status: criteria provided, multiple submitters, no conflicts (2 of 4 stars). 3 submissions from 3 submitters: Uncertain significance (3). Last evaluated 2023-02-19.

Conditions:
Familial cancer of breast. Also called: Hereditary breast cancer; BREAST CANCER, FAMILIAL; hereditary breast carcinoma. Identifiers: Orphanet 227535, MedGen C0346153, MONDO:0016419, OMIM 114480. Disease mechanism: loss of function.
Fanconi anemia complementation group J. Also called: BRIP1-Related Fanconi Anemia. Identifiers: Orphanet 84, MedGen C1836860, MONDO:0012187, OMIM 609054.
Hereditary cancer-predisposing syndrome. Also called: Hereditary neoplastic syndrome; Tumor predisposition; Neoplastic Syndromes, Hereditary; Hereditary Cancer Syndrome. Identifiers: Orphanet 140162, MedGen C0027672, MeSH D009386, MONDO:0015356.

Allele frequency attached by ClinVar (database versions not stated): gnomAD exomes below 0.00001.
gnomAD v4.1: 1 of 1,613,988 alleles (0.000062%); highest among the groups gnomAD compares: Non-Finnish European, 0.000085%; no homozygotes.

Submissions (3):

Ambry Genetics
Classification: Uncertain significance for Hereditary cancer-predisposing syndrome. Last evaluated: 2023-02-19. Review status: criteria provided, single submitter. Criteria: Ambry Variant Classification Scheme 2023. Collection method: clinical testing. Allele origin: germline.
Comment: The p.N1118D variant (also known as c.3352A>G), located in coding exon 19 of the BRIP1 gene, results from an A to G substitution at nucleotide position 3352. The asparagine at codon 1118 is replaced by aspartic acid, an amino acid with highly similar properties. This amino acid position is not well conserved in available vertebrate species. In addition, this alteration is predicted to be tolerated by in silico analysis. Since supporting evidence is limited at this time, the clinical significance of this alteration remains unclear.

Labcorp Genetics (formerly Invitae), Labcorp
Classification: Uncertain significance for Familial cancer of breast; Fanconi anemia complementation group J. Last evaluated: 2021-08-28. Review status: criteria provided, single submitter. Criteria: Invitae Variant Classification Sherloc (09022015). Collection method: clinical testing. Allele origin: germline.
Comment: This sequence change replaces asparagine with aspartic acid at codon 1118 of the BRIP1 protein (p.Asn1118Asp). The asparagine residue is weakly conserved and there is a small physicochemical difference between asparagine and aspartic acid. This variant is not present in population databases (ExAC no frequency). This variant has not been reported in the literature in individuals affected with BRIP1-related conditions. Algorithms developed to predict the effect of missense changes on protein structure and function output the following: SIFT: "Tolerated"; PolyPhen-2: "Benign"; Align-GVGD: "Class C0". The aspartic acid amino acid residue is found in multiple mammalian species, which suggests that this missense change does not adversely affect protein function. In summary, the available evidence is currently insufficient to determine the role of this variant in disease. Therefore, it has been classified as a Variant of Uncertain Significance.

Color Diagnostics, LLC DBA Color Health
Classification: Uncertain significance for Hereditary cancer-predisposing syndrome. Last evaluated: 2020-11-16. Review status: criteria provided, single submitter. Criteria: ACMG Guidelines, 2015. Collection method: clinical testing. Allele origin: germline.
Comment: This missense variant replaces asparagine with aspartic acid at codon 1118 of the BRIP1 protein. Computational prediction suggests that this variant may not impact protein structure and function (internally defined REVEL score threshold <= 0.5, PMID: 27666373). To our knowledge, functional studies have not been reported for this variant. This variant has not been reported in individuals affected with hereditary cancer in the literature. This variant has not been identified in the general population by the Genome Aggregation Database (gnomAD). The available evidence is insufficient to determine the role of this variant in disease conclusively. Therefore, this variant is classified as a Variant of Uncertain Significance.

NM_032043.3(BRIP1):c.3352A>G (p.Asn1118Asp)

Gene: BRIP1 (BRCA1 interacting DNA helicase 1; minus strand). Cytogenetic location: 17q23.2.
Variant type: single nucleotide variant.
Coding change: c.3352A>G on transcript NM_032043.3 (MANE Select); coding-DNA position 3352, A replaced by G.
Protein change: p.Asn1118Asp; replaces asparagine 1118 with aspartic acid.
Molecular consequence: missense variant.
Genome position (GRCh38, 1-based): chr17:61,683,694, T>C on the plus strand (A>G on the coding strand, the complement: BRIP1 is on the minus strand). VCF-style: chr17-61683694-T-C. GRCh37 (hg19) VCF-style: chr17-59761055-T-C.
Other names: short protein forms N1118D.
Identifiers: ClinVar variation 958513 (VCV000958513.12), dbSNP rs2061310251, ClinGen allele CA400478919.